The following is an entry in ClinVar:

NM_178012.5(TUBB2B):c.292G>A (p.Gly98Arg)

Gene: TUBB2B (tubulin beta 2B class IIb; minus strand). Cytogenetic location: 6p25.2.
Variant type: single nucleotide variant.
Coding change: c.292G>A on transcript NM_178012.5 (MANE Select); coding-DNA position 292, G replaced by A.
Protein change: p.Gly98Arg; replaces glycine 98 with arginine.
Molecular consequence: missense variant.
Genome position (GRCh38, 1-based): chr6:3,225,797, C>T on the plus strand (G>A on the coding strand, the complement: TUBB2B is on the minus strand). VCF-style: chr6-3225797-C-T. GRCh37 (hg19) VCF-style: chr6-3226031-C-T.
Other names: short protein forms G98R.
Identifiers: ClinVar variation 212497 (VCV000212497.17), dbSNP rs797046075, ClinGen allele CA251306.

ClinVar aggregate classification (germline): Conflicting classifications of pathogenicity. Review status: criteria provided, conflicting classifications (1 of 4 stars). 6 submissions from 6 submitters: Pathogenic (3); Likely pathogenic (2); Uncertain significance (1). Last evaluated 2026-04-22.

Conditions:
TUBB2B-related disorder. Also called: TUBB2B-related condition.
Complex cortical dysplasia with other brain malformations 7. Identifiers: Orphanet 300573, MedGen C3552236, MONDO:0012399, OMIM 610031.

Submissions (6):

Lupski Lab, Baylor-Hopkins CMG, Baylor College of Medicine
Classification: Pathogenic for Complex cortical dysplasia with other brain malformations 7. Last evaluated: 2026-04-22. Review status: criteria provided, single submitter. Criteria: ACMG Guidelines, 2015. Collection method: research. Allele origin: de novo. Inheritance: Sporadic. Affected: yes. Observed: 1 variant allele, 1 heterozygote.
Comment: The NM_178012.5 c.292G>A variant is a de novo and heterozygous missense variant in TUBB2B. This variant is predicted to have a damaging imapct on protein function (REVEL 0.836, PP3_Moderate by Table 2 in PMID 36413997). This variant is absent in gnomAD v4 (PM2_Supporting) and is located in a highly evolutionarily constrained region. Approximately 95% of missense variants in TUBB2B are pathogenic (PP2_Supporting) and one high-confidence submitter in ClinVar has classified this variant as pathogenic (PP5_Supporting). In summary, this variant meets criteria to be classified as PATHOGENIC for TUBB2B-associated disease based on the ACMG/AMP criteria applied: PS2_VeryStrong, PP3_Moderate, PM2_Supporting, PP2_Supporting, PP5_Supporting.

GeneDx
Classification: Pathogenic. Last evaluated: 2025-03-17. Review status: criteria provided, single submitter. Criteria: GeneDx Variant Classification Process June 2021. Collection method: clinical testing. Allele origin: germline. Affected: yes.
Comment: Not observed at significant frequency in large population cohorts (gnomAD); The majority of missense variants in this gene are considered pathogenic (HGMD); In silico analysis supports that this missense variant has a deleterious effect on protein structure/function; This variant is associated with the following publications: (PMID: 23361065, 24860126, 25059107, 26934450)

Labcorp Genetics (formerly Invitae), Labcorp
Classification: Uncertain significance. Last evaluated: 2022-12-17. Review status: criteria provided, single submitter. Criteria: Invitae Variant Classification Sherloc (09022015). Collection method: clinical testing. Allele origin: germline.
Comment: This missense change has been observed in individual(s) with cortical malformations (PMID: 23361065, 24860126). This variant is not present in population databases (gnomAD no frequency). This sequence change replaces glycine, which is neutral and non-polar, with arginine, which is basic and polar, at codon 98 of the TUBB2B protein (p.Gly98Arg). ClinVar contains an entry for this variant (Variation ID: 212497). In summary, the available evidence is currently insufficient to determine the role of this variant in disease. Therefore, it has been classified as a Variant of Uncertain Significance. Advanced modeling of protein sequence and biophysical properties (such as structural, functional, and spatial information, amino acid conservation, physicochemical variation, residue mobility, and thermodynamic stability) performed at Invitae indicates that this missense variant is expected to disrupt TUBB2B protein function.

Blueprint Genetics
Classification: Pathogenic for TUBB2B-related disorders. Last evaluated: 2022-12-08. Review status: criteria provided, single submitter. Criteria: ACMG Guidelines, 2015. Collection method: clinical testing. Allele origin: germline. Affected: yes. Observed: 2 variant alleles.

MGZ Medical Genetics Center
Classification: Likely pathogenic for Complex cortical dysplasia with other brain malformations 7. Last evaluated: 2021-11-29. Review status: criteria provided, single submitter. Criteria: ACMG Guidelines, 2015. Collection method: clinical testing. Allele origin: germline. Affected: yes. Observed: 1 variant allele.
Comment: ACMG criteria applied: PS2, PS4_SUP, PM2_SUP, PP2, PP3

Genetic Services Laboratory, University of Chicago
Classification: Likely pathogenic for Polymicrogyria, symmetric or asymmetric. Last evaluated: 2013-10-29. Review status: criteria provided, single submitter. Criteria: ACMG Guidelines, 2007. Collection method: clinical testing. Allele origin: germline. Affected: yes.

Literature cited by the submitters: PubMed 36413997 (cited by Lupski Lab, Baylor-Hopkins CMG, Baylor College of Medicine); PubMed 33776625 (cited by Lupski Lab, Baylor-Hopkins CMG, Baylor College of Medicine); PubMed 23361065 (cited by Labcorp Genetics (formerly Invitae), Labcorp); PubMed 24860126 (cited by Labcorp Genetics (formerly Invitae), Labcorp).